The following is an entry in ClinVar:

NM_001134407.3(GRIN2A):c.3895C>G (p.Pro1299Ala)

Gene: GRIN2A (glutamate ionotropic receptor NMDA type subunit 2A; minus strand). Cytogenetic location: 16p13.2.
Variant type: single nucleotide variant.
Coding change: c.3895C>G on transcript NM_001134407.3 (MANE Select); coding-DNA position 3895, C replaced by G.
Protein change: p.Pro1299Ala; replaces proline 1299 with alanine.
Molecular consequence: missense variant. On other transcripts: intron variant (1).
Genome position (GRCh38, 1-based): chr16:9,763,649, G>C on the plus strand (C>G on the coding strand, the complement: GRIN2A is on the minus strand). VCF-style: chr16-9763649-G-C. GRCh37 (hg19) VCF-style: chr16-9857506-G-C.
Other names: c.3895C>G, p.Pro1299Ala (NM_000833.5); c.3772+123C>G (NM_001134408.2); short protein forms P1299A.
Identifiers: ClinVar variation 4823563 (VCV004823563.4).

ClinVar aggregate classification (germline): Uncertain significance (1 of 4 stars; one submission).

Submission:

CeGaT Center for Human Genetics Tuebingen
Classification: Uncertain significance. Last evaluated: 2026-02-01. Review status: criteria provided, single submitter. Criteria: CeGaT Center For Human Genetics Tuebingen Variant Classification Criteria Version 2. Collection method: clinical testing. Allele origin: germline. Affected: yes. Observed: 1 variant allele.
Comment: GRIN2A: PM2, BP4